The following is an entry in ClinVar:

NM_018026.4(PACS1):c.445G>A (p.Gly149Ser)

Gene: PACS1 (phosphofurin acidic cluster sorting protein 1; plus strand). Cytogenetic location: 11q13.2.
Variant type: single nucleotide variant.
Coding change: c.445G>A on transcript NM_018026.4 (MANE Select); coding-DNA position 445, G replaced by A.
Protein change: p.Gly149Ser; replaces glycine 149 with serine.
Molecular consequence: missense variant.
Genome position (GRCh38, 1-based): chr11:66,210,362, G>A. VCF-style: chr11-66210362-G-A. GRCh37 (hg19) VCF-style: chr11-65977833-G-A.
Other names: short protein forms G149S.
Identifiers: ClinVar variation 3659232 (VCV003659232.2).

ClinVar aggregate classification (germline): Uncertain significance (1 of 4 stars; one submission).

Conditions:
Schuurs-Hoeijmakers syndrome. Also called: PACS1-Related Neurodevelopmental Disorder. Identifiers: Orphanet 329224, MedGen C3554343, MONDO:0014006, OMIM 615009.

gnomAD v4.1: 2 of 1,612,772 alleles (0.00012%); highest among the groups gnomAD compares: African/African-American, 0.0013%; no homozygotes.

Submission:

Labcorp Genetics (formerly Invitae), Labcorp
Classification: Uncertain significance for Schuurs-Hoeijmakers syndrome. Last evaluated: 2025-02-22. Review status: criteria provided, single submitter. Criteria: Invitae Variant Classification Sherloc (09022015). Collection method: clinical testing. Allele origin: germline.
Comment: This sequence change replaces glycine, which is neutral and non-polar, with serine, which is neutral and polar, at codon 149 of the PACS1 protein (p.Gly149Ser). This variant is not present in population databases (gnomAD no frequency). This variant has not been reported in the literature in individuals affected with PACS1-related conditions. An algorithm developed to predict the effect of missense changes on protein structure and function (PolyPhen-2) suggests that this variant is likely to be disruptive. In summary, the available evidence is currently insufficient to determine the role of this variant in disease. Therefore, it has been classified as a Variant of Uncertain Significance.